The following is an entry in ClinVar:

ClinVar aggregate classification (germline): Uncertain significance (1 of 4 stars; one submission).

Conditions:
Holoprosencephaly 3 (HPE3). Identifiers: Orphanet 2162, MedGen C1840529, MONDO:0007733, OMIM 142945.

Allele frequency attached by ClinVar (database versions not stated): gnomAD exomes below 0.00001; ExAC 0.00001; gnomAD 0.00001; TOPMed 0.00001.
gnomAD v4.1: 8 of 1,544,114 alleles (0.00052%); highest among the groups gnomAD compares: Admixed American, 0.0038%; no homozygotes.

Submission:

Labcorp Genetics (formerly Invitae), Labcorp
Classification: Uncertain significance for Holoprosencephaly 3. Last evaluated: 2022-02-25. Review status: criteria provided, single submitter. Criteria: Invitae Variant Classification Sherloc (09022015). Collection method: clinical testing. Allele origin: germline.
Comment: In summary, the available evidence is currently insufficient to determine the role of this variant in disease. Therefore, it has been classified as a Variant of Uncertain Significance. Algorithms developed to predict the effect of missense changes on protein structure and function (SIFT, PolyPhen-2, Align-GVGD) all suggest that this variant is likely to be tolerated. This variant has not been reported in the literature in individuals affected with SHH-related conditions. The frequency data for this variant in the population databases is considered unreliable, as metrics indicate poor data quality at this position in the gnomAD database. This sequence change replaces proline, which is neutral and non-polar, with leucine, which is neutral and non-polar, at codon 424 of the SHH protein (p.Pro424Leu).

NM_000193.4(SHH):c.1271C>T (p.Pro424Leu)

Gene: SHH (sonic hedgehog signaling molecule; minus strand). Cytogenetic location: 7q36.3.
Variant type: single nucleotide variant.
Coding change: c.1271C>T on transcript NM_000193.4 (MANE Select); coding-DNA position 1271, C replaced by T.
Protein change: p.Pro424Leu; replaces proline 424 with leucine.
Molecular consequence: missense variant. On other transcripts: intron variant (1).
Genome position (GRCh38, 1-based): chr7:155,803,018, G>A on the plus strand (C>T on the coding strand, the complement: SHH is on the minus strand). VCF-style: chr7-155803018-G-A. GRCh37 (hg19) VCF-style: chr7-155595712-G-A.
Other names: c.302-2773C>T (NM_001310462.2); short protein forms P424L.
Identifiers: ClinVar variation 2183275 (VCV002183275.4), dbSNP rs780618619, ClinGen allele CA4586893.